The following is an entry in ClinVar:

NM_002080.4(GOT2):c.233C>T (p.Pro78Leu)

Gene: GOT2 (glutamic-oxaloacetic transaminase 2; minus strand). Cytogenetic location: 16q21.
Variant type: single nucleotide variant.
Coding change: c.233C>T on transcript NM_002080.4 (MANE Select); coding-DNA position 233, C replaced by T.
Protein change: p.Pro78Leu; replaces proline 78 with leucine.
Molecular consequence: missense variant.
Genome position (GRCh38, 1-based): chr16:58,723,759, G>A on the plus strand (C>T on the coding strand, the complement: GOT2 is on the minus strand). VCF-style: chr16-58723759-G-A. GRCh37 (hg19) VCF-style: chr16-58757663-G-A.
Other names: c.233C>T, p.Pro78Leu (NM_001286220.2); c.233C>T (NM_002080.2); short protein forms P78L.
Identifiers: ClinVar variation 2169801 (VCV002169801.3), dbSNP rs765537389, ClinGen allele CA8091119.

ClinVar aggregate classification (germline): Uncertain significance. Review status: criteria provided, multiple submitters, no conflicts (2 of 4 stars). 3 submissions from 3 submitters: Uncertain significance (3). Last evaluated 2025-03-30.

Conditions:
Developmental and epileptic encephalopathy, 82. Also called: EPILEPTIC ENCEPHALOPATHY, EARLY INFANTILE, 82; GLUTAMATE OXALOACETATE TRANSAMINASE, MITOCHONDRIAL, DEFICIENCY OF; GOT2 DEFICIENCY. Identifiers: MedGen C5231473, MONDO:0032880, OMIM 618721.

Allele frequency attached by ClinVar (database versions not stated): gnomAD 0.00003; TOPMed 0.00004; ExAC 0.00009.
gnomAD v4.1: 112 of 1,612,680 alleles (0.0069%); highest among the groups gnomAD compares: South Asian, 0.041%; no homozygotes.

Submissions (3):

Ambry Genetics
Classification: Uncertain significance. Last evaluated: 2025-03-30. Review status: criteria provided, single submitter. Criteria: Ambry Variant Classification Scheme 2023. Collection method: clinical testing. Allele origin: germline.

Labcorp Genetics (formerly Invitae), Labcorp
Classification: Uncertain significance. Last evaluated: 2022-08-05. Review status: criteria provided, single submitter. Criteria: Invitae Variant Classification Sherloc (09022015). Collection method: clinical testing. Allele origin: germline.
Comment: This sequence change replaces proline, which is neutral and non-polar, with leucine, which is neutral and non-polar, at codon 78 of the GOT2 protein (p.Pro78Leu). This variant is present in population databases (rs765537389, gnomAD 0.05%). This variant has not been reported in the literature in individuals affected with GOT2-related conditions. Algorithms developed to predict the effect of missense changes on protein structure and function (SIFT, PolyPhen-2, Align-GVGD) all suggest that this variant is likely to be tolerated. In summary, the available evidence is currently insufficient to determine the role of this variant in disease. Therefore, it has been classified as a Variant of Uncertain Significance.

Baylor Genetics
Classification: Uncertain significance for Developmental and epileptic encephalopathy, 82. Last evaluated: 2021-03-18. Review status: criteria provided, single submitter. Criteria: ACMG Guidelines, 2015. Collection method: clinical testing. Allele origin: unknown.